The following is an entry in ClinVar:

ClinVar aggregate classification (germline): Likely benign. Review status: criteria provided, multiple submitters, no conflicts (2 of 4 stars). 5 submissions from 5 submitters: Likely benign (4). 1 of the submissions does not count toward it. Last evaluated 2025-05-07.

Conditions:
FG syndrome (FGS). Identifiers: MedGen C0220769, MONDO:0002010.
Familial thoracic aortic aneurysm and aortic dissection (TAAD). Also called: Thoracic aortic aneurysms and dissections. Identifiers: Orphanet 91387, MedGen C4707243, MONDO:0019625.
MED12-Related Disorders. Also called: MED12-related disorder; MED12-related condition. Identifiers: MedGen CN381102.

Allele frequency attached by ClinVar (database versions not stated): gnomAD exomes 0.00001 and 0.00003; ExAC 0.00005; ESP Exome Variant Server 0.00010; gnomAD 0.00011 and 0.00012; TOPMed 0.00016.
gnomAD v4.1: 21 of 1,208,503 alleles (0.0017%); highest among the groups gnomAD compares: African/African-American, 0.031%; no homozygotes.

Submissions (5):

Labcorp Genetics (formerly Invitae), Labcorp
Classification: Likely benign for FG syndrome. Last evaluated: 2025-05-07. Review status: criteria provided, single submitter. Criteria: Invitae Variant Classification Sherloc (09022015). Collection method: clinical testing. Allele origin: germline.

Ambry Genetics
Classification: Likely benign for Familial thoracic aortic aneurysm and aortic dissection. Last evaluated: 2022-08-08. Review status: criteria provided, single submitter. Criteria: Ambry Variant Classification Scheme 2023. Collection method: clinical testing. Allele origin: germline.

Blueprint Genetics
Classification: Likely benign. Last evaluated: 2019-12-19. Review status: criteria provided, single submitter. Criteria: ACMG Guidelines, 2015. Collection method: clinical testing. Allele origin: germline.

GeneDx
Classification: Likely benign. Last evaluated: 2019-08-15. Review status: criteria provided, single submitter. Criteria: GeneDx Variant Classification Process June 2021. Collection method: clinical testing. Allele origin: germline. Affected: yes.

PreventionGenetics, part of Exact Sciences
Classification: Likely benign for MED12-related condition. Last evaluated: 2021-09-30. Review status: no assertion criteria provided. Collection method: clinical testing. Allele origin: germline. Not counted in ClinVar's aggregate classification.
Comment: This variant is classified as likely benign based on ACMG/AMP sequence variant interpretation guidelines (Richards et al. 2015 PMID: 25741868, with internal and published modifications).

NM_005120.3(MED12):c.3918C>T (p.Asp1306=)

Gene: MED12 (mediator complex subunit 12; plus strand). Cytogenetic location: Xq13.1.
Variant type: single nucleotide variant.
Coding change: c.3918C>T on transcript NM_005120.3 (MANE Select); coding-DNA position 3918, C replaced by T.
Protein change: p.Asp1306=; no amino-acid change (aspartic acid 1306 retained).
Molecular consequence: synonymous variant.
Genome position (GRCh38, 1-based): chrX:71,130,085, C>T. VCF-style: chrX-71130085-C-T. GRCh37 (hg19) VCF-style: chrX-70349935-C-T.
Identifiers: ClinVar variation 669982 (VCV000669982.18), dbSNP rs372389957, ClinGen allele CA10444567.